The following is an entry in ClinVar:

NM_032444.4(SLX4):c.5209G>A (p.Glu1737Lys)

Gene: SLX4 (SLX4 structure-specific endonuclease subunit; minus strand). Cytogenetic location: 16p13.3.
Variant type: single nucleotide variant.
Coding change: c.5209G>A on transcript NM_032444.4 (MANE Select); coding-DNA position 5209, G replaced by A.
Protein change: p.Glu1737Lys; replaces glutamic acid 1737 with lysine.
Molecular consequence: missense variant.
Genome position (GRCh38, 1-based): chr16:3,582,638, C>T on the plus strand (G>A on the coding strand, the complement: SLX4 is on the minus strand). VCF-style: chr16-3582638-C-T. GRCh37 (hg19) VCF-style: chr16-3632639-C-T.
Other names: short protein forms E1737K.
Identifiers: ClinVar variation 2726858 (VCV002726858.3), dbSNP rs753159332, ClinGen allele CA7865377.

ClinVar aggregate classification (germline): Uncertain significance (1 of 4 stars; one submission).

Conditions:
Fanconi anemia (FA). Also called: Fanconi's anemia. Identifiers: Orphanet 84, MedGen C0015625, MeSH D005199, MONDO:0019391.

Allele frequency attached by ClinVar (database versions not stated): gnomAD exomes below 0.00001; ExAC 0.00001; TOPMed 0.00001.
gnomAD v4.1: 4 of 1,613,494 alleles (0.00025%); highest among the groups gnomAD compares: African/African-American, 0.0013%; no homozygotes.

Submission:

Labcorp Genetics (formerly Invitae), Labcorp
Classification: Uncertain significance for Fanconi anemia. Last evaluated: 2023-01-19. Review status: criteria provided, single submitter. Criteria: Invitae Variant Classification Sherloc (09022015). Collection method: clinical testing. Allele origin: germline.
Comment: Algorithms developed to predict the effect of missense changes on protein structure and function are either unavailable or do not agree on the potential impact of this missense change (SIFT: "Tolerated"; PolyPhen-2: "Possibly Damaging"; Align-GVGD: "Class C0"). In summary, the available evidence is currently insufficient to determine the role of this variant in disease. Therefore, it has been classified as a Variant of Uncertain Significance. This variant has not been reported in the literature in individuals affected with SLX4-related conditions. This sequence change replaces glutamic acid, which is acidic and polar, with lysine, which is basic and polar, at codon 1737 of the SLX4 protein (p.Glu1737Lys). This variant is present in population databases (rs753159332, gnomAD 0.003%).